The following is an entry in ClinVar:

NM_001146312.3(MYOCD):c.2074G>A (p.Asp692Asn)

Gene: MYOCD (myocardin; plus strand). Cytogenetic location: 17p12.
Variant type: single nucleotide variant.
Coding change: c.2074G>A on transcript NM_001146312.3 (MANE Select); coding-DNA position 2074, G replaced by A.
Protein change: p.Asp692Asn; replaces aspartic acid 692 with asparagine.
Molecular consequence: missense variant. On other transcripts: intron variant (1).
Genome position (GRCh38, 1-based): chr17:12,756,429, G>A. VCF-style: chr17-12756429-G-A. GRCh37 (hg19) VCF-style: chr17-12659746-G-A.
Other names: c.1837G>A, p.Asp613Asn (NM_001378306.1); c.2059-1656G>A (NM_153604.4); short protein forms D613N, D692N.
Identifiers: ClinVar variation 2647493 (VCV002647493.24), dbSNP rs369225309, ClinGen allele CA8399771.

ClinVar aggregate classification (germline): Benign (1 of 4 stars; one submission).

Allele frequency attached by ClinVar (database versions not stated): gnomAD exomes 0.00082; 1000 Genomes Project 30x 0.00141; 1000 Genomes Project 0.00160; ExAC 0.00296; TOPMed 0.00039; gnomAD 0.00070.
gnomAD v4.1: 1,375 of 1,552,098 alleles (0.089%); highest among the groups gnomAD compares: South Asian, 1.2%; 21 homozygotes.

Submission:

CeGaT Center for Human Genetics Tuebingen
Classification: Benign. Last evaluated: 2023-01-01. Review status: criteria provided, single submitter. Criteria: CeGaT Center For Human Genetics Tuebingen Variant Classification Criteria Version 2. Collection method: clinical testing. Allele origin: germline. Affected: yes. Observed: 1 variant allele.
Comment: MYOCD: BP4, BS1, BS2